The following is an entry in ClinVar:

ClinVar aggregate classification (germline): Benign (0 of 4 stars; one submission).

Conditions:
ABCA7-related disorder. Also called: ABCA7-related condition.

Allele frequency attached by ClinVar (database versions not stated): ESP Exome Variant Server 0.02976; TOPMed 0.03085; gnomAD 0.03561; gnomAD exomes 0.04354; ExAC 0.04819; 1000 Genomes Project 30x 0.05356; 1000 Genomes Project 0.05651.
gnomAD v4.1: 69,039 of 1,612,252 alleles (4.3%); highest among the groups gnomAD compares: East Asian, 15%; 1,976 homozygotes.

Submission:

PreventionGenetics, part of Exact Sciences
Classification: Benign for ABCA7-related condition. Last evaluated: 2019-03-05. Review status: no assertion criteria provided. Collection method: clinical testing. Allele origin: germline.
Comment: This variant is classified as benign based on ACMG/AMP sequence variant interpretation guidelines (Richards et al. 2015 PMID: 25741868, with internal and published modifications).

NM_019112.4(ABCA7):c.5592T>C (p.Ala1864=)

Gene: ABCA7 (ATP binding cassette subfamily A member 7; plus strand). Cytogenetic location: 19p13.3.
Variant type: single nucleotide variant.
Coding change: c.5592T>C on transcript NM_019112.4 (MANE Select); coding-DNA position 5592, T replaced by C.
Protein change: p.Ala1864=; no amino-acid change (alanine 1864 retained).
Molecular consequence: synonymous variant.
Genome position (GRCh38, 1-based): chr19:1,062,193, T>C. VCF-style: chr19-1062193-T-C. GRCh37 (hg19) VCF-style: chr19-1062192-T-C.
Identifiers: ClinVar variation 3055792 (VCV003055792.2), dbSNP rs4147921, ClinGen allele CA9034922.
Genomic context (GRCh38, chr19:1,062,193, plus strand): 5'-CTAGCCAGCTCTCTGAGCCCCCGGCGCCCCCATCCCCAGCGTGGCCCGGGAACCCAGTGC[T>C]GCGCACCTCAGCATGGGATACTGCCCTCAATCCGATGCCATCTTTGAGCTGCTGACGGGC-3'
Protein context (NP_061985.2, residues 1854-1874): AGHSVAREPS[Ala1864=]AHLSMGYCPQ